The following is an entry in ClinVar:

ClinVar aggregate classification (germline): Pathogenic. Review status: criteria provided, multiple submitters, no conflicts (2 of 4 stars). 2 submissions from 2 submitters: Pathogenic (2). Last evaluated 2024-01-04.

Conditions:
Telangiectasia, hereditary hemorrhagic, type 2 (HHT2). Also called: ACVRL1-Related Hereditary Hemorrhagic Telangiectasia; Telangiectasia, hereditary hemorrhagic, type II. Identifiers: Orphanet 774, MedGen C1838163, MONDO:0010880, OMIM 600376. Disease mechanism: loss of function.
Cardiovascular phenotype. Identifiers: MedGen CN230736.

Submissions (2):

Labcorp Genetics (formerly Invitae), Labcorp
Classification: Pathogenic for Telangiectasia, hereditary hemorrhagic, type 2. Last evaluated: 2024-01-04. Review status: criteria provided, single submitter. Criteria: Invitae Variant Classification Sherloc (09022015). Collection method: clinical testing. Allele origin: germline.
Comment: This sequence change creates a premature translational stop signal (p.Lys25_Pro26delinsSerCys*) in the ACVRL1 gene. It is expected to result in an absent or disrupted protein product. Loss-of-function variants in ACVRL1 are known to be pathogenic (PMID: 15879500). This variant is not present in population databases (gnomAD no frequency). This variant has not been reported in the literature in individuals affected with ACVRL1-related conditions. ClinVar contains an entry for this variant (Variation ID: 1758744). For these reasons, this variant has been classified as Pathogenic.

Ambry Genetics
Classification: Pathogenic for Cardiovascular phenotype. Last evaluated: 2020-09-11. Review status: criteria provided, single submitter. Criteria: Ambry Variant Classification Scheme 2023. Collection method: clinical testing. Allele origin: germline.
Comment: The c.74_77delAGCCins175 mutation, located in coding exon 2 of the ACVRL1 gene, results from the deletion of AGCC and insertion of 175 nucleotides causing a translational frameshift with a predicted alternate stop codon (p.K25Sfs*3). This alteration is expected to result in loss of function by premature protein truncation or nonsense-mediated mRNA decay. As such, this alteration is interpreted as a disease-causing mutation.

Literature cited by the submitters: PubMed 15879500 (cited by Labcorp Genetics (formerly Invitae), Labcorp).

NM_000020.3(ACVRL1):c.74_77delinsGCTGCTGAGCTCAGGCGGTGCCAGGCCTGGGTCAGAATTGGAATTCTGCTGGGCAGGGAGTGGGCTGGAGACGGGCCAGGGCTAGGTTCTTCTTTCTGCAGGACCGGGGTGGAACGAGAGGCAGCTGGGGGTGGCCTGCCACTGGGTTTGGGTCTGGATTAAGTTAAACCTAAGG (p.Lys25_Pro26delinsSerCysTer)

Gene: ACVRL1 (activin A receptor like type 1; plus strand). Cytogenetic location: 12q13.13.
Variant type: Indel.
Coding change: c.74_77delinsGCTGCTGAGCTCAGGCGGTGCCAGGCCTGGGTCAGAATTGGAATTCTGCTGGGCAGGGAGTGGGCTGGAGACGGGCCAGGGCTAGGTTCTTCTTTCTGCAGGACCGGGGTGGAACGAGAGGCAGCTGGGGGTGGCCTGCCACTGGGTTTGGGTCTGGATTAAGTTAAACCTAAGG on transcript NM_000020.3 (MANE Select); coding-DNA positions 74 to 77, the reference bases replaced by an inserted sequence.
Protein change: p.Lys25_Pro26delinsSerCysTer.
Molecular consequence: nonsense. On other transcripts: inframe indel (1).
Genome position (GRCh38, 1-based): chr12:51,913,111-51,913,114, 4 bases replaced. GRCh37 (hg19): chr12:52,306,895-52,306,898.
Other names: c.74_77delinsGCTGCTGAGCTCAGGCGGTGCCAGGCCTGGGTCAGAATTGGAATTCTGCTGGGCAGGGAGTGGGCTGGAGACGGGCCAGGGCTAGGTTCTTCTTTCTGCAGGACCGGGGTGGAACGAGAGGCAGCTGGGGGTGGCCTGCCACTGGGTTTGGGTCTGGATTAAGTTAAACCTAAGG, p.Lys25_Pro26delinsSerCysTer (NM_001077401.2); c.74_77delAGCCinsGCTGCTGAGCTCAGGCGGTGCCAGGCCTGGGTCAGAATTGGAATTCTGCTGGGCAGGGAGTGGGCTGGAGACGGGCCAGGGCTAGGTTCTTCTTTCTGCAGGACCGGGGTGGAACGAGAGGCAGCTGGGGGTGGCCTGCCACTGGGTTTGGGTCTGGATTAAGTTAAACCTAAGG, p.Lys25_Asp360delinsSerCysTer (NM_001406487.1, NM_001406488.1, NM_001406489.1); c.74_77delAGCCinsGCTGCTGAGCTCAGGCGGTGCCAGGCCTGGGTCAGAATTGGAATTCTGCTGGGCAGGGAGTGGGCTGGAGACGGGCCAGGGCTAGGTTCTTCTTTCTGCAGGACCGGGGTGGAACGAGAGGCAGCTGGGGGTGGCCTGCCACTGGGTTTGGGTCTGGATTAAGTTAAACCTAAGG, p.Lys25_Gly360delinsSerCysTer (NM_001406490.1); c.74_77delAGCCinsGCTGCTGAGCTCAGGCGGTGCCAGGCCTGGGTCAGAATTGGAATTCTGCTGGGCAGGGAGTGGGCTGGAGACGGGCCAGGGCTAGGTTCTTCTTTCTGCAGGACCGGGGTGGAACGAGAGGCAGCTGGGGGTGGCCTGCCACTGGGTTTGGGTCTGGATTAAGTTAAACCTAAGG, p.Lys25_Leu360delinsSerCysTer (NM_001406491.1, NM_001406492.1, NM_001406493.1); c.74_77delAGCCinsGCTGCTGAGCTCAGGCGGTGCCAGGCCTGGGTCAGAATTGGAATTCTGCTGGGCAGGGAGTGGGCTGGAGACGGGCCAGGGCTAGGTTCTTCTTTCTGCAGGACCGGGGTGGAACGAGAGGCAGCTGGGGGTGGCCTGCCACTGGGTTTGGGTCTGGATTAAGTTAAACCTAAGG, p.Lys25_Gln333delinsSerCys (NM_001406494.1).
Identifiers: ClinVar variation 1758744 (VCV001758744.5), dbSNP rs2540158145, ClinGen allele CA2580086424.